The following is an entry in ClinVar:

ClinVar aggregate classification (germline): Likely benign. Review status: criteria provided, multiple submitters, no conflicts (2 of 4 stars). 4 submissions from 4 submitters: Likely benign (4). Last evaluated 2024-05-06.

Allele frequency attached by ClinVar (database versions not stated): ExAC 0.00001; gnomAD exomes 0.00002; TOPMed 0.00002.
gnomAD v4.1: 17 of 1,614,110 alleles (0.0011%); highest among the groups gnomAD compares: East Asian, 0.0067%; no homozygotes.

Submissions (4):

Labcorp Genetics (formerly Invitae), Labcorp
Classification: Likely benign. Last evaluated: 2024-05-06. Review status: criteria provided, single submitter. Criteria: Invitae Variant Classification Sherloc (09022015). Collection method: clinical testing. Allele origin: germline.

CeGaT Center for Human Genetics Tuebingen
Classification: Likely benign. Last evaluated: 2022-08-01. Review status: criteria provided, single submitter. Criteria: CeGaT Center For Human Genetics Tuebingen Variant Classification Criteria Version 2. Collection method: clinical testing. Allele origin: germline. Affected: yes. Observed: 1 variant allele.
Comment: ARID1B: BP4, BP7

Genetic Services Laboratory, University of Chicago
Classification: Likely benign. Last evaluated: 2017-09-28. Review status: criteria provided, single submitter. Criteria: ACMG Guidelines, 2015. Collection method: clinical testing. Allele origin: germline. Affected: no.

Breakthrough Genomics
Classification: Likely benign. Review status: criteria provided, single submitter. Criteria: ACMG Guidelines, 2015. Collection method: not provided. Allele origin: germline. Inheritance: Autosomal dominant inheritance. Affected: yes.

NM_001374828.1(ARID1B):c.1962C>T (p.Ala654=)

Gene: ARID1B (AT-rich interaction domain 1B; plus strand). Cytogenetic location: 6q25.3.
Variant type: single nucleotide variant.
Coding change: c.1962C>T on transcript NM_001374828.1 (MANE Select); coding-DNA position 1962, C replaced by T.
Protein change: p.Ala654=; no amino-acid change (alanine 654 retained).
Molecular consequence: synonymous variant.
Genome position (GRCh38, 1-based): chr6:156,829,397, C>T. VCF-style: chr6-156829397-C-T. GRCh37 (hg19) VCF-style: chr6-157150531-C-T.
Other names: c.1962C>T, p.Ala654= (NM_001371656.1, NM_001374820.1, NM_017519.3); c.1713C>T (NM_020732.3).
Identifiers: ClinVar variation 1336296 (VCV001336296.32), dbSNP rs752755002, ClinGen allele CA4066852.